The following is an entry in ClinVar:

NM_000059.4(BRCA2):c.4115T>A (p.Phe1372Tyr)

Gene: BRCA2 (BRCA2 DNA repair associated; plus strand). Cytogenetic location: 13q13.1.
Variant type: single nucleotide variant.
Coding change: c.4115T>A on transcript NM_000059.4 (MANE Select); coding-DNA position 4115, T replaced by A.
Protein change: p.Phe1372Tyr; replaces phenylalanine 1372 with tyrosine.
Molecular consequence: missense variant.
Genome position (GRCh38, 1-based): chr13:32,338,470, T>A. VCF-style: chr13-32338470-T-A. GRCh37 (hg19) VCF-style: chr13-32912607-T-A.
Other names: short protein forms F1372Y.
Identifiers: ClinVar variation 481614 (VCV000481614.7), dbSNP rs1555283567, ClinGen allele CA387779304.

ClinVar aggregate classification (germline): Conflicting classifications of pathogenicity. Review status: criteria provided, conflicting classifications (1 of 4 stars). 2 submissions from 2 submitters: Uncertain significance (1); Likely benign (1). Last evaluated 2023-03-23.

Conditions:
Hereditary cancer-predisposing syndrome. Also called: Neoplastic Syndromes, Hereditary; Tumor predisposition; Hereditary Cancer Syndrome; Hereditary neoplastic syndrome. Identifiers: Orphanet 140162, MedGen C0027672, MeSH D009386, MONDO:0015356.

Submissions (2):

University of Washington Department of Laboratory Medicine, University of Washington
Classification: Likely benign for Hereditary cancer-predisposing syndrome. Last evaluated: 2023-03-23. Review status: criteria provided, single submitter. Criteria: Dines et al. (Genet Med. 2020). Collection method: curation. Allele origin: germline.
Comment: Missense variant in a coldspot region where missense variants are very unlikely to be pathogenic (PMID:31911673).

BRCA2 exon 11 coldspot. Reclassification based on statistical prior probability.

Ambry Genetics
Classification: Uncertain significance for Hereditary cancer-predisposing syndrome. Last evaluated: 2017-08-24. Review status: criteria provided, single submitter. Criteria: Ambry Variant Classification Scheme 2023. Collection method: clinical testing. Allele origin: germline.
Comment: The p.F1372Y variant (also known as c.4115T>A), located in coding exon 10 of the BRCA2 gene, results from a T to A substitution at nucleotide position 4115. The phenylalanine at codon 1372 is replaced by tyrosine, an amino acid with highly similar properties. This amino acid position is not well conserved in available vertebrate species, and tyrosine is the reference amino acid in other vertebrate species. In addition, this alteration is predicted to be tolerated by in silico analysis. Since supporting evidence is limited at this time, the clinical significance of this alteration remains unclear.